The following is an entry in ClinVar:

NM_000404.4(GLB1):c.751G>A (p.Ala251Thr)

Gene: GLB1 (galactosidase beta 1; minus strand). Cytogenetic location: 3p22.3.
Variant type: single nucleotide variant.
Coding change: c.751G>A on transcript NM_000404.4 (MANE Select); coding-DNA position 751, G replaced by A.
Protein change: p.Ala251Thr; replaces alanine 251 with threonine.
Molecular consequence: missense variant.
Genome position (GRCh38, 1-based): chr3:33,053,532, C>T on the plus strand (G>A on the coding strand, the complement: GLB1 is on the minus strand). VCF-style: chr3-33053532-C-T. GRCh37 (hg19) VCF-style: chr3-33095024-C-T.
Other names: c.661G>A, p.Ala221Thr (NM_001079811.3); c.358G>A, p.Ala120Thr (NM_001135602.3); c.895G>A, p.Ala299Thr (NM_001317040.2); c.751G>A, p.Ala251Thr (NM_001393580.1); short protein forms A120T, A299T, A221T, A251T.
Identifiers: ClinVar variation 1350099 (VCV001350099.8), dbSNP rs1423200446, ClinGen allele CA352002831.

ClinVar aggregate classification (germline): Uncertain significance (1 of 4 stars; one submission).

Conditions:
Mucopolysaccharidosis, MPS-IV-B (MPS4B). Also called: MORQUIO SYNDROME B; Mucopolysaccharidosis Type IVB (Morquio B Disease); Mucopolysaccharidosis type 4B; Mucopolysaccharidosis type IVB (Morquio); MPS IVB; Mucopolysaccharidosis type IV B. Identifiers: Orphanet 309310, Orphanet 582, MedGen C0086652, MONDO:0009660, OMIM 253010.
GM1 gangliosidosis. Identifiers: Orphanet 354, MedGen C0085131, MONDO:0018149.

Allele frequency attached by ClinVar (database versions not stated): gnomAD exomes below 0.00001; TOPMed below 0.00001.
gnomAD v4.1: 2 of 1,614,202 alleles (0.00012%); highest among the groups gnomAD compares: African/African-American, 0.0027%; no homozygotes.

Submission:

Labcorp Genetics (formerly Invitae), Labcorp
Classification: Uncertain significance for Mucopolysaccharidosis, MPS-IV-B; GM1 gangliosidosis. Last evaluated: 2022-07-25. Review status: criteria provided, single submitter. Criteria: Invitae Variant Classification Sherloc (09022015). Collection method: clinical testing. Allele origin: germline.
Comment: In summary, the available evidence is currently insufficient to determine the role of this variant in disease. Therefore, it has been classified as a Variant of Uncertain Significance. Advanced modeling of protein sequence and biophysical properties (such as structural, functional, and spatial information, amino acid conservation, physicochemical variation, residue mobility, and thermodynamic stability) performed at Invitae indicates that this missense variant is expected to disrupt GLB1 protein function. ClinVar contains an entry for this variant (Variation ID: 1350099). This variant has not been reported in the literature in individuals affected with GLB1-related conditions. This variant is present in population databases (no rsID available, gnomAD 0.007%). This sequence change replaces alanine, which is neutral and non-polar, with threonine, which is neutral and polar, at codon 251 of the GLB1 protein (p.Ala251Thr).